The following is an entry in ClinVar:

ClinVar aggregate classification (germline): Likely benign (0 of 4 stars; one submission).

Conditions:
APC-related disorder. Also called: APC-related condition.

Submission:

PreventionGenetics, part of Exact Sciences
Classification: Likely benign for APC-related condition. Last evaluated: 2024-03-09. Review status: no assertion criteria provided. Collection method: clinical testing. Allele origin: germline.
Comment: This variant is classified as likely benign based on ACMG/AMP sequence variant interpretation guidelines (Richards et al. 2015 PMID: 25741868, with internal and published modifications).

NM_001127511.3(APC):c.166-28586_166-28582dup

Gene: APC (APC regulator of Wnt signaling pathway; plus strand). Cytogenetic location: 5q22.2.
Variant type: Duplication.
Coding change: c.166-28586_166-28582dup on transcript NM_001127511.3; 28586 bases into the intron before coding-DNA position 166 through 28582 bases into the intron before coding-DNA position 166, 5 bases duplicated (TCGGG; older notation c.166-28586_166-28582dupTCGGG).
Molecular consequence: intron variant.
Genome position (GRCh38, 1-based): chr5:112,737,740-112,737,744, TCGGG duplicated; duplicating any 5 consecutive bases within chr5:112,737,736-112,737,744 gives the same sequence; the c. name uses the placement nearest the transcript's 3' end. VCF-style (leftmost placement, unchanged base first): chr5-112737735-G-GCGGGT. GRCh37 (hg19) VCF-style: chr5-112073432-G-GCGGGT.
Other names: c.-1053-17133_-1053-17129dup (NM_001407470.1, NM_001407472.1); c.-18-17133_-18-17129dup (NM_001407447.1, NM_001354895.2, NM_001407456.1 and 7 more transcripts); c.166-28586_166-28582dup (NM_001407446.1, NM_001354897.2, NM_001354902.2); c.-42-28586_-42-28582dup (NM_001407453.1).
Identifiers: ClinVar variation 3355186 (VCV003355186.1).
Genomic context (GRCh38, chr5:112,737,735, plus strand): 5'-ACGGGGCTAGGGCTAGGCAGGCTGTGCGGTTGGGCGGGGCCCTGTGCCCCACTGCGGAGT[G>GCGGGT]CGGGTCGGGAAGCGGAGAGAGAAGCAGCTGTGTAATCCGCTGGATGCGGACCAGGGCGCT-3'